The following is an entry in ClinVar:

ClinVar aggregate classification (germline): Benign. Review status: criteria provided, multiple submitters, no conflicts (2 of 4 stars). 2 submissions from 2 submitters: Benign (2). Last evaluated 2018-07-21.

Conditions:
Blood group, I system (Ii). Identifiers: MedGen C0020717, OMIM 110800.

Allele frequency attached by ClinVar (database versions not stated): 1000 Genomes Project 0.20487; gnomAD 0.17987 and 0.18407; gnomAD exomes 0.19658; TOPMed 0.18021; 1000 Genomes Project 30x 0.20222.
gnomAD v4.1: 191,893 of 984,744 alleles (19%); highest among the groups gnomAD compares: East Asian, 30%; 19,110 homozygotes.

Submissions (2):

GeneDx
Classification: Benign. Last evaluated: 2018-07-21. Review status: criteria provided, single submitter. Criteria: GeneDx Variant Classification Process June 2021. Collection method: clinical testing. Allele origin: germline. Affected: yes.

Illumina Laboratory Services, Illumina
Classification: Benign for Blood group, I system. Last evaluated: 2018-01-12. Review status: criteria provided, single submitter. Criteria: ICSL Variant Classification Criteria 13 December 2019. Collection method: clinical testing. Allele origin: germline.
Comment: This variant was observed in the ICSL laboratory as part of a predisposition screen in an ostensibly healthy population. It had not been previously curated by ICSL or reported in the Human Gene Mutation Database (HGMD: prior to June 1st, 2018), and was therefore a candidate for classification through an automated scoring system. Utilizing variant allele frequency, disease prevalence and penetrance estimates, and inheritance mode, an automated score was calculated to assess if this variant is too frequent to cause the disease. Based on the score and internal cut-off values, a variant classified as benign is not then subjected to further curation. The score for this variant resulted in a classification of benign for this disease.

NM_145649.5(GCNT2):c.925+25913G>T

Gene: GCNT2 (glucosaminyl (N-acetyl) transferase 2 (I blood group); plus strand). Cytogenetic location: 6p24.3.
Variant type: single nucleotide variant.
Coding change: c.925+25913G>T on transcript NM_145649.5 (MANE Select); 25913 bases into the intron after coding-DNA position 925, G replaced by T.
Molecular consequence: intron variant.
Genome position (GRCh38, 1-based): chr6:10,555,749, G>T. VCF-style: chr6-10555749-G-T. GRCh37 (hg19) VCF-style: chr6-10555982-G-T.
Other names: c.925+25913G>T (NM_001374747.1).
Identifiers: ClinVar variation 354691 (VCV000354691.9), dbSNP rs12660274, ClinGen allele CA10621033.